The following is an entry in ClinVar:

NM_182641.4(BPTF):c.8727-1G>A

Gene: BPTF (bromodomain PHD finger transcription factor; plus strand). Cytogenetic location: 17q24.2.
Variant type: single nucleotide variant.
Coding change: c.8727-1G>A on transcript NM_182641.4 (MANE Select); the canonical splice acceptor site of the intron before coding-DNA position 8727, G replaced by A.
Molecular consequence: splice acceptor variant.
Genome position (GRCh38, 1-based): chr17:67,982,251, G>A. VCF-style: chr17-67982251-G-A. GRCh37 (hg19) VCF-style: chr17-65978367-G-A.
Other names: c.8676-1G>A (NM_004459.7).
Identifiers: ClinVar variation 1310400 (VCV001310400.2), dbSNP rs2148711902, ClinGen allele CA400734353.

ClinVar aggregate classification (germline): Uncertain significance (1 of 4 stars; one submission).

Submission:

GeneDx
Classification: Uncertain significance. Last evaluated: 2019-12-08. Review status: criteria provided, single submitter. Criteria: GeneDx Variant Classification Process June 2021. Collection method: clinical testing. Allele origin: germline. Affected: yes.
Comment: Not observed in large population cohorts (Lek et al., 2016); Canonical splice site variant predicted to result in protein truncation although no variants have not been reported within the lost exon.; Has not been previously published as pathogenic or benign to our knowledge